The following is an entry in ClinVar:

NM_001386140.1(MTTP):c.2577A>T (p.Lys859Asn)

Gene: MTTP (microsomal triglyceride transfer protein; plus strand). Cytogenetic location: 4q23.
Variant type: single nucleotide variant.
Coding change: c.2577A>T on transcript NM_001386140.1 (MANE Select); coding-DNA position 2577, A replaced by T.
Protein change: p.Lys859Asn; replaces lysine 859 with asparagine.
Molecular consequence: missense variant.
Genome position (GRCh38, 1-based): chr4:99,622,740, A>T. VCF-style: chr4-99622740-A-T. GRCh37 (hg19) VCF-style: chr4-100543897-A-T.
Other names: c.2577A>T, p.Lys859Asn (NM_000253.4); c.2328A>T, p.Lys776Asn (NM_001300785.2); short protein forms K776N, K859N.
Identifiers: ClinVar variation 1501531 (VCV001501531.5), dbSNP rs1245107198, ClinGen allele CA357520346.

ClinVar aggregate classification (germline): Uncertain significance (1 of 4 stars; one submission).

Allele frequency attached by ClinVar (database versions not stated): gnomAD exomes below 0.00001; TOPMed 0.00002; gnomAD 0.00003 and 0.00004.
gnomAD v4.1: 6 of 1,614,010 alleles (0.00037%); highest among the groups gnomAD compares: African/African-American, 0.008%; no homozygotes.

Submission:

Labcorp Genetics (formerly Invitae), Labcorp
Classification: Uncertain significance. Last evaluated: 2024-10-20. Review status: criteria provided, single submitter. Criteria: Invitae Variant Classification Sherloc (09022015). Collection method: clinical testing. Allele origin: germline.
Comment: This sequence change replaces lysine, which is basic and polar, with asparagine, which is neutral and polar, at codon 859 of the MTTP protein (p.Lys859Asn). This variant is present in population databases (no rsID available, gnomAD 0.007%). This variant has not been reported in the literature in individuals affected with MTTP-related conditions. ClinVar contains an entry for this variant (Variation ID: 1501531). Invitae Evidence Modeling of protein sequence and biophysical properties (such as structural, functional, and spatial information, amino acid conservation, physicochemical variation, residue mobility, and thermodynamic stability) indicates that this missense variant is expected to disrupt MTTP protein function with a positive predictive value of 80%. In summary, the available evidence is currently insufficient to determine the role of this variant in disease. Therefore, it has been classified as a Variant of Uncertain Significance.